The following is an entry in ClinVar:

ClinVar aggregate classification (germline): Pathogenic. Review status: criteria provided, multiple submitters, no conflicts (2 of 4 stars). 2 submissions from 2 submitters: Pathogenic (2). Last evaluated 2025-09-03.

Conditions:
Becker muscular dystrophy (BMD). Also called: MUSCULAR DYSTROPHY, PSEUDOHYPERTROPHIC PROGRESSIVE, BECKER TYPE; Becker Muscular Dystrophy (BMD). Identifiers: Orphanet 98895, MedGen C0917713, MONDO:0010311, OMIM 300376.
Duchenne muscular dystrophy (DMD). Also called: MUSCULAR DYSTROPHY, PSEUDOHYPERTROPHIC PROGRESSIVE, DUCHENNE TYPE; Duchenne Muscular Dystrophy (DMD). Identifiers: Orphanet 98896, MedGen C0013264, MONDO:0010679, OMIM 310200.

Submissions (2):

Labcorp Genetics (formerly Invitae), Labcorp
Classification: Pathogenic for Duchenne muscular dystrophy. Last evaluated: 2025-09-03. Review status: criteria provided, single submitter. Criteria: Invitae Variant Classification Sherloc (09022015). Collection method: clinical testing. Allele origin: germline.
Comment: This variant results in the deletion of part of exon 33 (c.4519-2_4523del) of the DMD gene. It is expected to disrupt RNA splicing. Variants that disrupt the donor or acceptor splice site typically lead to a loss of protein function (PMID: 16199547), and loss-of-function variants in DMD are known to be pathogenic (PMID: 16770791, 25007885). This variant is not present in population databases (gnomAD no frequency). This variant has been observed in individual(s) with Becker Muscular Dystrophy (PMID: 17041906). This variant is also known as c.4519-3del7. ClinVar contains an entry for this variant (Variation ID: 2737159). For these reasons, this variant has been classified as Pathogenic.

Clinical Omics and Informatics (COIN) Unit, Neuroscience Institute, University Of Cape Town
Classification: Pathogenic for Becker muscular dystrophy. Last evaluated: 2025-02-10. Review status: criteria provided, single submitter. Criteria: ACMG Guidelines, 2015. Collection method: research. Allele origin: germline. Inheritance: X-linked inheritance. Affected: yes. Observed: 1 variant allele, 1 hemizygote.
Comment: PM2_supporting: this variant is absent from gnomAD v2.1.1 and v3.1.2 (adequate coverage >20X confirmed). PSV1_moderate: this variant is predicted to result in exon 33 skipping by disrupting the canonical AG splice acceptor site at the intron 32/ exon 33 junction and consequently predicted to maintain the reading frame and remove <10% of the protein. In-frame DMD deletions are an established disease mechanism in Becker muscular dystrophy. Sequencing funded by the International Centre for Genomic Medicine in Neuromuscular Diseases (ICGNMD).

Literature cited by the submitters: PubMed 16199547 (cited by Labcorp Genetics (formerly Invitae), Labcorp); PubMed 16770791 (cited by Labcorp Genetics (formerly Invitae), Labcorp); PubMed 25007885 (cited by Labcorp Genetics (formerly Invitae), Labcorp); PubMed 17041906 (cited by Labcorp Genetics (formerly Invitae), Labcorp).

NM_004006.3(DMD):c.4519-2_4523del

Gene: DMD (dystrophin; minus strand). Cytogenetic location: Xp21.1.
Variant type: Deletion.
Coding change: c.4519-2_4523del on transcript NM_004006.3 (MANE Select); the canonical splice acceptor site of the intron before coding-DNA position 4519 through coding-DNA position 4523, 7 bases deleted (AGAACTT; older notation c.4519-2_4523delAGAACTT).
Molecular consequence: splice acceptor variant.
Genome position (GRCh38, 1-based): chrX:32,386,461-32,386,467, AAGTTCT deleted on the plus strand (AGAACTT on the coding strand, the reverse complement: DMD is on the minus strand); deleting any 7 consecutive bases within chrX:32,386,461-32,386,472 gives the same sequence; the c. name uses the placement nearest the transcript's 3' end. VCF-style (leftmost placement, unchanged base first): chrX-32386460-CAAGTTCT-C. GRCh37 (hg19) VCF-style: chrX-32404577-CAAGTTCT-C.
Other names: c.4495-2_4499del (NM_000109.4); c.496-2_500del (NM_004011.4); c.487-2_491del (NM_004012.4); c.4507-2_4511del (NM_004009.3); c.4150-2_4154del (NM_004010.3).
Identifiers: ClinVar variation 2737159 (VCV002737159.5), dbSNP rs2523045606, ClinGen allele CA2580611723.